The following is an entry in ClinVar:

ClinVar aggregate classification (germline): Uncertain significance (1 of 4 stars; one submission).

Submission:

GeneDx
Classification: Uncertain significance. Last evaluated: 2024-06-28. Review status: criteria provided, single submitter. Criteria: GeneDx Variant Classification Process June 2021. Collection method: clinical testing. Allele origin: germline. Affected: yes.
Comment: Not observed at significant frequency in large population cohorts (gnomAD); In silico analysis supports that this missense variant has a deleterious effect on protein structure/function; Has not been previously published as pathogenic or benign to our knowledge

NM_015330.6(SPECC1L):c.579A>T (p.Lys193Asn)

Genes: SPECC1L (sperm antigen with calponin homology and coiled-coil domains 1 like; plus strand), SPECC1L-ADORA2A (SPECC1L-ADORA2A readthrough (NMD candidate); plus strand). Cytogenetic location: 22q11.23.
Variant type: single nucleotide variant.
Coding change: c.579A>T on transcript NM_015330.6 (MANE Select); coding-DNA position 579, A replaced by T.
Protein change: p.Lys193Asn; replaces lysine 193 with asparagine.
Molecular consequence: missense variant. On other transcripts: non-coding transcript variant (1).
Genome position (GRCh38, 1-based): chr22:24,321,559, A>T. VCF-style: chr22-24321559-A-T. GRCh37 (hg19) VCF-style: chr22-24717527-A-T.
Other names: c.579A>T, p.Lys193Asn (NM_001145468.4, NM_001254732.3); short protein forms K193N.
Identifiers: ClinVar variation 3392819 (VCV003392819.1).
Genomic context (GRCh38, chr22:24,321,559, plus strand): 5'-TCAGATCAGTGACAGAGCTGCTTTGGAGGCCAAAGTGAAGGATCTTCTCACGCTGGCAAA[A>T]ACCAAAGACGTAGAAATTTTACATTTGAGAAATGAACTGCGAGACATGCGTGCCCAGCTG-3'
Protein context (NP_056145.5, residues 183-203): AKVKDLLTLA[Lys193Asn]TKDVEILHLR